The following is an entry in ClinVar:

ClinVar aggregate classification (germline): Pathogenic/Likely pathogenic. Review status: criteria provided, multiple submitters, no conflicts (2 of 4 stars). 3 submissions from 3 submitters: Pathogenic (1); Likely pathogenic (1). 1 of the submissions does not count toward it. Last evaluated 2023-11-03.

Conditions:
Neurodevelopmental, jaw, eye, and digital syndrome (NEDJED). Identifiers: MedGen C5394477, MONDO:0030057, OMIM 618914.

Submissions (3):

GeneDx
Classification: Pathogenic. Last evaluated: 2023-11-03. Review status: criteria provided, single submitter. Criteria: GeneDx Variant Classification Process June 2021. Collection method: clinical testing. Allele origin: germline. Affected: yes.
Comment: Not observed at significant frequency in large population cohorts (gnomAD); In silico analysis supports that this missense variant has a deleterious effect on protein structure/function; This variant is associated with the following publications: (PMID: 31402090)

SIB Swiss Institute of Bioinformatics
Classification: Likely pathogenic for Neurodevelopmental, jaw, eye, and digital syndrome. Last evaluated: 2021-04-13. Review status: criteria provided, single submitter. Criteria: ACMG Guidelines, 2015. Collection method: curation. Allele origin: unknown.
Comment: This variant is interpreted as likely pathogenic for Neurodevelopmental, jaw, eye, and digital syndrome, autosomal dominant. The following ACMG Tag(s) were applied: Absent from controls (or at extremely low frequency if recessive) in Exome Sequencing Project, 1000 Genomes Project, or Exome Aggregation Consortium (PM2); Assumed de novo, but no confirmation of paternity and maternity (PM6); Multiple lines of computational evidence support a deleterious effect on the gene or gene product (PP3); Missense variant in a gene that has a low rate of benign missense variation and in which missense variants are a common mechanism of disease (PP2).

OMIM
Classification: Pathogenic for NEURODEVELOPMENTAL, JAW, EYE, AND DIGITAL SYNDROME. Last evaluated: 2020-06-16. Review status: no assertion criteria provided. Collection method: literature only. Allele origin: germline. Not counted in ClinVar's aggregate classification.

Literature cited by the submitters: PubMed 31402090 (cited by SIB Swiss Institute of Bioinformatics and OMIM).

NM_001378974.1(FBXW11):c.787G>C (p.Gly263Arg)

Gene: FBXW11 (F-box and WD repeat domain containing 11; minus strand). Cytogenetic location: 5q35.1.
Variant type: single nucleotide variant.
Coding change: c.787G>C on transcript NM_001378974.1 (MANE Select); coding-DNA position 787, G replaced by C.
Protein change: p.Gly263Arg; replaces glycine 263 with arginine.
Molecular consequence: missense variant.
Genome position (GRCh38, 1-based): chr5:171,891,532, C>G on the plus strand (G>C on the coding strand, the complement: FBXW11 is on the minus strand). VCF-style: chr5-171891532-C-G. GRCh37 (hg19) VCF-style: chr5-171318536-C-G.
Other names: c.718G>C, p.Gly240Arg (NM_001378975.1); c.628G>C, p.Gly210Arg (NM_001378978.1, NM_001378979.1, NM_001378977.1); c.622G>C, p.Gly208Arg (NM_001378980.1, NM_033645.3); c.691G>C, p.Gly231Arg (NM_001378976.1); c.724G>C, p.Gly242Arg (NM_012300.3); c.685G>C, p.Gly229Arg (NM_033644.3); short protein forms G242R, G208R, G210R, G229R, G231R, G240R, G263R.
Identifiers: ClinVar variation 917898 (VCV000917898.4), dbSNP rs1759346639, ClinGen allele CA362209724.